The following is an entry in ClinVar:

ClinVar aggregate classification (germline): Uncertain significance (1 of 4 stars; one submission).

Allele frequency attached by ClinVar (database versions not stated): gnomAD exomes below 0.00001 and 0.00001; ExAC 0.00001; TOPMed 0.00001.
gnomAD v4.1: 4 of 1,613,358 alleles (0.00025%); highest among the groups gnomAD compares: Non-Finnish European, 0.00034%; no homozygotes.

Submission:

Labcorp Genetics (formerly Invitae), Labcorp
Classification: Uncertain significance. Last evaluated: 2019-09-30. Review status: criteria provided, single submitter. Criteria: Invitae Variant Classification Sherloc (09022015). Collection method: clinical testing. Allele origin: germline.
Comment: This variant is present in population databases (rs765825997, ExAC 0.002%). In summary, the available evidence is currently insufficient to determine the role of this variant in disease. Therefore, it has been classified as a Variant of Uncertain Significance. Algorithms developed to predict the effect of missense changes on protein structure and function (SIFT, PolyPhen-2, Align-GVGD) all suggest that this variant is likely to be tolerated, but these predictions have not been confirmed by published functional studies and their clinical significance is uncertain. This variant has not been reported in the literature in individuals with KIF11-related conditions. This sequence change replaces lysine with arginine at codon 386 of the KIF11 protein (p.Lys386Arg). The lysine residue is highly conserved and there is a small physicochemical difference between lysine and arginine.

NM_004523.4(KIF11):c.1157A>G (p.Lys386Arg)

Gene: KIF11 (kinesin family member 11; plus strand). Cytogenetic location: 10q23.33.
Variant type: single nucleotide variant.
Coding change: c.1157A>G on transcript NM_004523.4 (MANE Select); coding-DNA position 1157, A replaced by G.
Protein change: p.Lys386Arg; replaces lysine 386 with arginine.
Molecular consequence: missense variant.
Genome position (GRCh38, 1-based): chr10:92,621,413, A>G. VCF-style: chr10-92621413-A-G. GRCh37 (hg19) VCF-style: chr10-94381170-A-G.
Other names: short protein forms K386R.
Identifiers: ClinVar variation 967791 (VCV000967791.9), dbSNP rs765825997, ClinGen allele CA5604138.
Genomic context (GRCh38, chr10:92,621,413, plus strand): 5'-AAACTGACACCTACAACATTCCTCTTGTGTAGGAGTATACGGAGGAGATAGAACGTTTAA[A>G]ACGAGATCTTGCTGCAGCCCGTGAGAAAAATGGAGTGTATATTTCTGAAGAAAATTTTAG-3'
Protein context (NP_004514.2, residues 376-396): KEYTEEIERL[Lys386Arg]RDLAAAREKN